The following is an entry in ClinVar:

ClinVar aggregate classification (germline): Uncertain significance (1 of 4 stars; one submission).

Conditions:
Hereditary cancer-predisposing syndrome. Also called: Neoplastic Syndromes, Hereditary; Tumor predisposition; Hereditary neoplastic syndrome; Hereditary Cancer Syndrome. Identifiers: Orphanet 140162, MedGen C0027672, MeSH D009386, MONDO:0015356.

Submission:

Ambry Genetics
Classification: Uncertain significance for Hereditary cancer-predisposing syndrome. Last evaluated: 2025-08-25. Review status: criteria provided, single submitter. Criteria: Ambry Variant Classification Scheme 2023. Collection method: clinical testing. Allele origin: germline.
Comment: The p.N2697K variant (also known as c.8091T>G), located in coding exon 54 of the ATM gene, results from a T to G substitution at nucleotide position 8091. The asparagine at codon 2697 is replaced by lysine, an amino acid with similar properties. This amino acid position is conserved. In addition, the in silico prediction for this alteration is inconclusive. Based on the available evidence, the clinical significance of this variant remains unclear.

NM_000051.4(ATM):c.8091T>G (p.Asn2697Lys)

Genes: ATM (ATM serine/threonine kinase; plus strand), C11orf65 (chromosome 11 open reading frame 65; minus strand). Cytogenetic location: 11q22.3.
Variant type: single nucleotide variant.
Coding change: c.8091T>G on transcript NM_000051.4 (MANE Select); coding-DNA position 8091, T replaced by G.
Protein change: p.Asn2697Lys; replaces asparagine 2697 with lysine.
Molecular consequence: missense variant. On other transcripts: intron variant (2).
Genome position (GRCh38, 1-based): chr11:108,335,049, T>G. VCF-style: chr11-108335049-T-G. GRCh37 (hg19) VCF-style: chr11-108205776-T-G.
Other names: c.8091T>G, p.Asn2697Lys (NM_001351834.2); c.641-25978A>C (NM_001330368.2); c.*38+171A>C (NM_001351110.2); short protein forms N2697K.
Identifiers: ClinVar variation 4170206 (VCV004170206.1).